The following is an entry in ClinVar:

ClinVar aggregate classification (germline): Uncertain significance. Review status: criteria provided, multiple submitters, no conflicts (2 of 4 stars). 2 submissions from 2 submitters: Uncertain significance (2). Last evaluated 2024-12-04.

Conditions:
Inborn genetic diseases. Identifiers: MedGen C0950123, MeSH D030342.

Allele frequency attached by ClinVar (database versions not stated): ExAC 0.00012.
gnomAD v4.1: 199 of 1,612,136 alleles (0.012%); highest among the groups gnomAD compares: East Asian, 0.06%; no homozygotes.

Submissions (2):

Ambry Genetics
Classification: Uncertain significance for Inborn genetic diseases. Last evaluated: 2024-12-04. Review status: criteria provided, single submitter. Criteria: Ambry Variant Classification Scheme 2023. Collection method: clinical testing. Allele origin: germline.

Labcorp Genetics (formerly Invitae), Labcorp
Classification: Uncertain significance. Last evaluated: 2022-07-03. Review status: criteria provided, single submitter. Criteria: Invitae Variant Classification Sherloc (09022015). Collection method: clinical testing. Allele origin: germline.
Comment: This variant is present in population databases (rs768551124, gnomAD 0.06%). In summary, the available evidence is currently insufficient to determine the role of this variant in disease. Therefore, it has been classified as a Variant of Uncertain Significance. Algorithms developed to predict the effect of sequence changes on RNA splicing suggest that this variant may create or strengthen a splice site. Algorithms developed to predict the effect of missense changes on protein structure and function (SIFT, PolyPhen-2, Align-GVGD) all suggest that this variant is likely to be tolerated. This variant has not been reported in the literature in individuals affected with LAMA5-related conditions. This sequence change replaces alanine, which is neutral and non-polar, with valine, which is neutral and non-polar, at codon 1582 of the LAMA5 protein (p.Ala1582Val).

NM_005560.6(LAMA5):c.4745C>T (p.Ala1582Val)

Gene: LAMA5 (laminin subunit alpha 5; minus strand). Cytogenetic location: 20q13.33.
Variant type: single nucleotide variant.
Coding change: c.4745C>T on transcript NM_005560.6 (MANE Select); coding-DNA position 4745, C replaced by T.
Protein change: p.Ala1582Val; replaces alanine 1582 with valine.
Molecular consequence: missense variant.
Genome position (GRCh38, 1-based): chr20:62,327,918, G>A on the plus strand (C>T on the coding strand, the complement: LAMA5 is on the minus strand). VCF-style: chr20-62327918-G-A. GRCh37 (hg19) VCF-style: chr20-60902974-G-A.
Other names: c.4745C>T (NM_005560.3); short protein forms A1582V.
Identifiers: ClinVar variation 2072676 (VCV002072676.3), dbSNP rs768551124, ClinGen allele CA9942495.